The following is an entry in ClinVar:

NM_006231.4(POLE):c.5609G>T (p.Arg1870Leu)

Gene: POLE (DNA polymerase epsilon, catalytic subunit; minus strand). Cytogenetic location: 12q24.33.
Variant type: single nucleotide variant.
Coding change: c.5609G>T on transcript NM_006231.4 (MANE Select); coding-DNA position 5609, G replaced by T.
Protein change: p.Arg1870Leu; replaces arginine 1870 with leucine.
Molecular consequence: missense variant.
Genome position (GRCh38, 1-based): chr12:132,638,083, C>A on the plus strand (G>T on the coding strand, the complement: POLE is on the minus strand). VCF-style: chr12-132638083-C-A. GRCh37 (hg19) VCF-style: chr12-133214669-C-A.
Other names: short protein forms R1870L.
Identifiers: ClinVar variation 1044439 (VCV001044439.12), dbSNP rs758619238, ClinGen allele CA387374104.

ClinVar aggregate classification (germline): Uncertain significance. Review status: criteria provided, multiple submitters, no conflicts (2 of 4 stars). 2 submissions from 2 submitters: Uncertain significance (2). Last evaluated 2024-11-06.

Conditions:
Hereditary cancer-predisposing syndrome. Also called: Hereditary Cancer Syndrome; Tumor predisposition; Hereditary neoplastic syndrome; Neoplastic Syndromes, Hereditary. Identifiers: Orphanet 140162, MedGen C0027672, MeSH D009386, MONDO:0015356.

gnomAD v4.1: 2 of 1,613,760 alleles (0.00012%); highest among the groups gnomAD compares: Non-Finnish European, 0.00017%; no homozygotes.

Submissions (2):

Labcorp Genetics (formerly Invitae), Labcorp
Classification: Uncertain significance. Last evaluated: 2024-11-06. Review status: criteria provided, single submitter. Criteria: Invitae Variant Classification Sherloc (09022015). Collection method: clinical testing. Allele origin: germline.
Comment: This sequence change replaces arginine, which is basic and polar, with leucine, which is neutral and non-polar, at codon 1870 of the POLE protein (p.Arg1870Leu). This variant is not present in population databases (gnomAD no frequency). This variant has not been reported in the literature in individuals affected with POLE-related conditions. ClinVar contains an entry for this variant (Variation ID: 1044439). Invitae Evidence Modeling of protein sequence and biophysical properties (such as structural, functional, and spatial information, amino acid conservation, physicochemical variation, residue mobility, and thermodynamic stability) indicates that this missense variant is not expected to disrupt POLE protein function with a negative predictive value of 80%. In summary, the available evidence is currently insufficient to determine the role of this variant in disease. Therefore, it has been classified as a Variant of Uncertain Significance.

Ambry Genetics
Classification: Uncertain significance for Hereditary cancer-predisposing syndrome. Last evaluated: 2024-05-05. Review status: criteria provided, single submitter. Criteria: Ambry Variant Classification Scheme 2023. Collection method: clinical testing. Allele origin: germline.
Comment: The p.R1870L variant (also known as c.5609G>T), located in coding exon 41 of the POLE gene, results from a G to T substitution at nucleotide position 5609. The arginine at codon 1870 is replaced by leucine, an amino acid with dissimilar properties. This amino acid position is conserved. In addition, this alteration is predicted to be deleterious by in silico analysis. Since supporting evidence is limited at this time, the clinical significance of this alteration remains unclear.